The following is an entry in ClinVar:

ClinVar aggregate classification (germline): Uncertain significance. Review status: criteria provided, multiple submitters, no conflicts (2 of 4 stars). 2 submissions from 2 submitters: Uncertain significance (2). Last evaluated 2021-12-17.

Conditions:
Otitis media, susceptibility to (OMS). Also called: COME/ROM; OTITIS MEDIA, CHRONIC/RECURRENT. Identifiers: MedGen C1833692, MONDO:0008162, OMIM 166760.

Submissions (2):

Department of Pathology and Laboratory Medicine, Sinai Health System
Classification: Uncertain significance for Otitis media, susceptibility to. Last evaluated: 2021-12-17. Review status: criteria provided, single submitter. Criteria: ACMG Guidelines, 2015. Collection method: research. Allele origin: germline.

Department of Human Genetics, University Hospital Magdeburg
Classification: Uncertain significance. Last evaluated: 2020-07-09. Review status: criteria provided, single submitter. Criteria: ACMG Guidelines, 2015. Collection method: clinical testing. Allele origin: paternal. Inheritance: Autosomal dominant inheritance. Observed: 1 variant allele.

NM_144670.6(A2ML1):c.1888_1891dup (p.Asp631delinsValTer)

Gene: A2ML1 (alpha-2-macroglobulin like 1; plus strand). Cytogenetic location: 12p13.31.
Variant type: Duplication.
Coding change: c.1888_1891dup on transcript NM_144670.6 (MANE Select); coding-DNA positions 1888 to 1891, 4 bases duplicated (TATG; older notation c.1888_1891dupTATG).
Protein change: p.Asp631delinsValTer.
Molecular consequence: nonsense.
Genome position (GRCh38, 1-based): chr12:8,848,774-8,848,777, TATG duplicated; duplicating any 4 consecutive bases within chr12:8,848,773-8,848,777 gives the same sequence; the c. name uses the placement nearest the transcript's 3' end. VCF-style (leftmost placement, unchanged base first): chr12-8848772-A-AGTAT. GRCh37 (hg19) VCF-style: chr12-9001368-A-AGTAT.
Other names: c.415_418dup, p.Asp140delinsValTer (NM_001282424.3).
Identifiers: ClinVar variation 933219 (VCV000933219.2), dbSNP rs746882060, ClinGen allele CA6435843.